The following is an entry in ClinVar:

ClinVar aggregate classification (germline): Conflicting classifications of pathogenicity. Review status: criteria provided, conflicting classifications (1 of 4 stars). 4 submissions from 4 submitters: Uncertain significance (1); Benign (1); Likely benign (2). Last evaluated 2026-01-28.

Conditions:
Deficiency of malonyl-CoA decarboxylase. Also called: Malonic aciduria; MCD deficiency. Identifiers: Orphanet 943, MedGen C0342793, MONDO:0009556, OMIM 248360.

Allele frequency attached by ClinVar (database versions not stated): 1000 Genomes Project 30x 0.00031; ESP Exome Variant Server 0.00032; gnomAD 0.00044 and 0.00048; TOPMed 0.00044; ExAC 0.00047.

Submissions (4):

Labcorp Genetics (formerly Invitae), Labcorp
Classification: Benign for Deficiency of malonyl-CoA decarboxylase. Last evaluated: 2026-01-28. Review status: criteria provided, single submitter. Criteria: Invitae Variant Classification Sherloc (09022015). Collection method: clinical testing. Allele origin: germline.

Blueprint Genetics
Classification: Likely benign. Last evaluated: 2024-10-07. Review status: criteria provided, single submitter. Criteria: ACMG Guidelines, 2015. Collection method: clinical testing. Allele origin: germline.

Illumina Laboratory Services, Illumina
Classification: Uncertain significance for Deficiency of malonyl-CoA decarboxylase. Last evaluated: 2018-01-13. Review status: criteria provided, single submitter. Criteria: ICSL Variant Classification Criteria 13 December 2019. Collection method: clinical testing. Allele origin: germline.

GeneDx
Classification: Likely benign. Last evaluated: 2017-10-13. Review status: criteria provided, single submitter. Criteria: GeneDx Variant Classification (06012015). Collection method: clinical testing. Allele origin: germline. Affected: yes.
Comment: This variant is considered likely benign or benign based on one or more of the following criteria: it is a conservative change, it occurs at a poorly conserved position in the protein, it is predicted to be benign by multiple in silico algorithms, and/or has population frequency not consistent with disease.

NM_012213.3(MLYCD):c.1098C>T (p.Ile366=)

Gene: MLYCD (malonyl-CoA decarboxylase; plus strand). Cytogenetic location: 16q23.3.
Variant type: single nucleotide variant.
Coding change: c.1098C>T on transcript NM_012213.3 (MANE Select); coding-DNA position 1098, C replaced by T.
Protein change: p.Ile366=; no amino-acid change (isoleucine 366 retained).
Molecular consequence: synonymous variant.
Genome position (GRCh38, 1-based): chr16:83,915,105, C>T. VCF-style: chr16-83915105-C-T. GRCh37 (hg19) VCF-style: chr16-83948710-C-T.
Identifiers: ClinVar variation 320732 (VCV000320732.16), dbSNP rs199549095, ClinGen allele CA8197509.